The following is an entry in ClinVar:

ClinVar aggregate classification (germline): Benign. Review status: criteria provided, multiple submitters, no conflicts (2 of 4 stars). 3 submissions from 3 submitters: Benign (3). Last evaluated 2026-09-01.

Allele frequency attached by ClinVar (database versions not stated): 1000 Genomes Project 30x 0.00078; 1000 Genomes Project 0.00100; TOPMed 0.00121; ESP Exome Variant Server 0.00169; ExAC 0.00421; gnomAD 0.00429 and 0.00447.
gnomAD v4.1: 4,164 of 1,614,172 alleles (0.26%); highest among the groups gnomAD compares: Non-Finnish European, 0.19%; 32 homozygotes.

Submissions (3):

CeGaT Center for Human Genetics Tuebingen
Classification: Benign. Last evaluated: 2026-09-01. Review status: criteria provided, single submitter. Criteria: CeGaT Center For Human Genetics Tuebingen Variant Classification Criteria Version 2. Collection method: clinical testing. Allele origin: germline. Affected: yes. Observed: 5 variant alleles.
Comment: PTPN14: BS1, BS2

Labcorp Genetics (formerly Invitae), Labcorp
Classification: Benign. Last evaluated: 2018-03-29. Review status: criteria provided, single submitter. Criteria: Invitae Variant Classification Sherloc (09022015). Collection method: clinical testing. Allele origin: germline.

Breakthrough Genomics
Classification: Benign. Review status: criteria provided, single submitter. Criteria: ACMG Guidelines, 2015. Collection method: not provided. Allele origin: germline. Inheritance: Autosomal recessive inheritance. Affected: yes.

NM_005401.5(PTPN14):c.1253G>A (p.Ser418Asn)

Gene: PTPN14 (protein tyrosine phosphatase non-receptor type 14; minus strand). Cytogenetic location: 1q32.3.
Variant type: single nucleotide variant.
Coding change: c.1253G>A on transcript NM_005401.5 (MANE Select); coding-DNA position 1253, G replaced by A.
Protein change: p.Ser418Asn; replaces serine 418 with asparagine.
Molecular consequence: missense variant.
Genome position (GRCh38, 1-based): chr1:214,384,602, C>T on the plus strand (G>A on the coding strand, the complement: PTPN14 is on the minus strand). VCF-style: chr1-214384602-C-T. GRCh37 (hg19) VCF-style: chr1-214557945-C-T.
Other names: short protein forms S418N.
Identifiers: ClinVar variation 717676 (VCV000717676.28), dbSNP rs141247660, ClinGen allele CA1389138.